The following is an entry in ClinVar:

ClinVar aggregate classification (germline): Uncertain significance (1 of 4 stars; one submission).

gnomAD v4.1: 3 of 1,613,516 alleles (0.00019%); highest among the groups gnomAD compares: Non-Finnish European, 0.00025%; no homozygotes.

Submission:

Ambry Genetics
Classification: Uncertain significance. Last evaluated: 2024-11-20. Review status: criteria provided, single submitter. Criteria: Ambry Variant Classification Scheme 2023. Collection method: clinical testing. Allele origin: germline.
Comment: The p.D668E variant (also known as c.2004C>A), located in coding exon 3 of the CDK12 gene, results from a C to A substitution at nucleotide position 2004. The aspartic acid at codon 668 is replaced by glutamic acid, an amino acid with highly similar properties. This amino acid position is conserved. In addition, this alteration is predicted to be tolerated by in silico analysis. Based on the available evidence, the clinical significance of this variant remains unclear.

NM_016507.4(CDK12):c.2004C>A (p.Asp668Glu)

Gene: CDK12 (cyclin dependent kinase 12; plus strand). Cytogenetic location: 17q12.
Variant type: single nucleotide variant.
Coding change: c.2004C>A on transcript NM_016507.4 (MANE Select); coding-DNA position 2004, C replaced by A.
Protein change: p.Asp668Glu; replaces aspartic acid 668 with glutamic acid.
Molecular consequence: missense variant.
Genome position (GRCh38, 1-based): chr17:39,490,629, C>A. VCF-style: chr17-39490629-C-A. GRCh37 (hg19) VCF-style: chr17-37646882-C-A.
Other names: c.2004C>A, p.Asp668Glu (NM_015083.4); short protein forms D668E.
Identifiers: ClinVar variation 3489213 (VCV003489213.1).